The following is an entry in ClinVar:

NM_017534.6(MYH2):c.4213G>C (p.Ala1405Pro)

Genes: MYHAS (myosin heavy chain gene cluster antisense RNA; plus strand), MYH2 (myosin heavy chain 2; minus strand). Cytogenetic location: 17p13.1.
Variant type: single nucleotide variant.
Coding change: c.4213G>C on transcript NM_017534.6 (MANE Select); coding-DNA position 4213, G replaced by C.
Protein change: p.Ala1405Pro; replaces alanine 1405 with proline.
Molecular consequence: missense variant.
Genome position (GRCh38, 1-based): chr17:10,525,851, C>G on the plus strand (G>C on the coding strand, the complement: MYH2 is on the minus strand). VCF-style: chr17-10525851-C-G. GRCh37 (hg19) VCF-style: chr17-10429168-C-G.
Other names: c.4213G>C, p.Ala1405Pro (NM_001100112.2); short protein forms A1405P.
Identifiers: ClinVar variation 4693725 (VCV004693725.1).
Genomic context (GRCh38, chr17:10,525,851, plus strand): 5'-GCTTCGTCTTTTCGAGGGAAGCACATTTGGCGTTCACAGCTTCTACATGTTCCTCAGCTG[C>G]CTGCAGCCGCTGGGCCAGCTTCTTCCTTGAATATTATACATGTTTTCAGAGAGAAGTGAA-3'
Protein context (NP_060004.3, residues 1395-1415): AKKKLAQRLQ[Ala1405Pro]AEEHVEAVNA

ClinVar aggregate classification (germline): Uncertain significance (1 of 4 stars; one submission).

Conditions:
Myopathy, proximal, and ophthalmoplegia (CMYO6). Also called: INCLUSION BODY MYOPATHY 3, AUTOSOMAL DOMINANT; MYOPATHY WITH CONGENITAL JOINT CONTRACTURES, OPHTHALMOPLEGIA, AND RIMMED VACUOLES; CONGENITAL MYOPATHY 6 WITH OPHTHALMOPLEGIA. Identifiers: Orphanet 363677, Orphanet 79091, MedGen C1854106, MONDO:0011577, OMIM 605637.

Submission:

Labcorp Genetics (formerly Invitae), Labcorp
Classification: Uncertain significance for Myopathy, proximal, and ophthalmoplegia. Last evaluated: 2025-02-04. Review status: criteria provided, single submitter. Criteria: Invitae Variant Classification Sherloc (09022015). Collection method: clinical testing. Allele origin: germline.
Comment: This sequence change replaces alanine, which is neutral and non-polar, with proline, which is neutral and non-polar, at codon 1405 of the MYH2 protein (p.Ala1405Pro). This variant is not present in population databases (gnomAD no frequency). This variant has not been reported in the literature in individuals affected with MYH2-related conditions. Invitae Evidence Modeling of protein sequence and biophysical properties (such as structural, functional, and spatial information, amino acid conservation, physicochemical variation, residue mobility, and thermodynamic stability) has been performed for this missense variant. However, the output from this modeling did not meet the statistical confidence thresholds required to predict the impact of this variant on MYH2 protein function. In summary, the available evidence is currently insufficient to determine the role of this variant in disease. Therefore, it has been classified as a Variant of Uncertain Significance.